The following is an entry in ClinVar:

NM_145071.4(CISH):c.*6C>T

Gene: CISH (cytokine inducible SH2 containing protein; minus strand). Cytogenetic location: 3p21.2.
Variant type: single nucleotide variant.
Coding change: c.*6C>T on transcript NM_145071.4 (MANE Select); 6 bases downstream of the stop codon, C replaced by T.
Molecular consequence: 3 prime UTR variant.
Genome position (GRCh38, 1-based): chr3:50,607,601, G>A on the plus strand (C>T on the coding strand, the complement: CISH is on the minus strand). VCF-style: chr3-50607601-G-A. GRCh37 (hg19) VCF-style: chr3-50645032-G-A.
Other names: c.*6C>T (NM_013324.7).
Identifiers: ClinVar variation 3040213 (VCV003040213.2), dbSNP rs199816251, ClinGen allele CA2419908.

ClinVar aggregate classification (germline): Likely benign (0 of 4 stars; one submission).

Conditions:
CISH-related disorder. Also called: CISH-related condition.

Allele frequency attached by ClinVar (database versions not stated): gnomAD 0.00006; ESP Exome Variant Server 0.00015; 1000 Genomes Project 30x 0.00016; 1000 Genomes Project 0.00020.

Submission:

PreventionGenetics, part of Exact Sciences
Classification: Likely benign for CISH-related condition. Last evaluated: 2019-09-17. Review status: no assertion criteria provided. Collection method: clinical testing. Allele origin: germline.
Comment: This variant is classified as likely benign based on ACMG/AMP sequence variant interpretation guidelines (Richards et al. 2015 PMID: 25741868, with internal and published modifications).